The following is an entry in ClinVar:

ClinVar aggregate classification (germline): Uncertain significance (1 of 4 stars; one submission).

Allele frequency attached by ClinVar (database versions not stated): gnomAD exomes below 0.00001; TOPMed below 0.00001; ExAC 0.00001.
gnomAD v4.1: 6 of 1,614,212 alleles (0.00037%); highest among the groups gnomAD compares: Non-Finnish European, 0.00051%; no homozygotes.

Submission:

Institute for Clinical Genetics, University Hospital TU Dresden, University Hospital TU Dresden
Classification: Uncertain significance. Last evaluated: 2023-02-23. Review status: criteria provided, single submitter. Criteria: ACMG Guidelines, 2015. Collection method: clinical testing. Allele origin: paternal.
Comment: PM2_SUP, PP2

NM_018489.3(ASH1L):c.3284C>T (p.Ser1095Leu)

Gene: ASH1L (ASH1 like histone lysine methyltransferase; minus strand). Cytogenetic location: 1q22.
Variant type: single nucleotide variant.
Coding change: c.3284C>T on transcript NM_018489.3 (MANE Select); coding-DNA position 3284, C replaced by T.
Protein change: p.Ser1095Leu; replaces serine 1095 with leucine.
Molecular consequence: missense variant.
Genome position (GRCh38, 1-based): chr1:155,479,586, G>A on the plus strand (C>T on the coding strand, the complement: ASH1L is on the minus strand). VCF-style: chr1-155479586-G-A. GRCh37 (hg19) VCF-style: chr1-155449377-G-A.
Other names: c.3284C>T, p.Ser1095Leu (NM_001366177.2); short protein forms S1095L.
Identifiers: ClinVar variation 2576089 (VCV002576089.1), dbSNP rs746135067, ClinGen allele CA1147102.